The following is an entry in ClinVar:

NM_006306.4(SMC1A):c.236T>G (p.Phe79Cys)

Gene: SMC1A (structural maintenance of chromosomes 1A; minus strand). Cytogenetic location: Xp11.22.
Variant type: single nucleotide variant.
Coding change: c.236T>G on transcript NM_006306.4 (MANE Select); coding-DNA position 236, T replaced by G.
Protein change: p.Phe79Cys; replaces phenylalanine 79 with cysteine.
Molecular consequence: missense variant.
Genome position (GRCh38, 1-based): chrX:53,415,043, A>C on the plus strand (T>G on the coding strand, the complement: SMC1A is on the minus strand). VCF-style: chrX-53415043-A-C. GRCh37 (hg19) VCF-style: chrX-53441992-A-C.
Other names: c.170T>G, p.Phe57Cys (NM_001281463.1); short protein forms F57C, F79C.
Identifiers: ClinVar variation 5008406 (VCV005008406.1).

ClinVar aggregate classification (germline): Uncertain significance (1 of 4 stars; one submission).

Submission:

GeneDx
Classification: Uncertain significance. Last evaluated: 2026-02-11. Review status: criteria provided, single submitter. Criteria: GeneDx Variant Classification Process June 2021. Collection method: clinical testing. Allele origin: germline.
Comment: Not observed at significant frequency in large population cohorts (gnomAD); Missense variants in this gene are a common cause of disease and they are underrepresented in the general population; In silico analysis suggests that this missense variant does not alter protein structure/function; Has not been previously published as pathogenic or benign to our knowledge